The following is an entry in ClinVar:

ClinVar aggregate classification (germline): Uncertain significance. Review status: criteria provided, multiple submitters, no conflicts (2 of 4 stars). 4 submissions from 4 submitters: Uncertain significance (4). Last evaluated 2024-05-29.

Conditions:
Inborn genetic diseases. Identifiers: MedGen C0950123, MeSH D030342.

Allele frequency attached by ClinVar (database versions not stated): TOPMed below 0.00001; gnomAD 0.00001; gnomAD exomes 0.00001 and 0.00002; ExAC 0.00004; 1000 Genomes Project 30x 0.00031; 1000 Genomes Project 0.00040.
gnomAD v4.1: 31 of 1,575,264 alleles (0.002%); highest among the groups gnomAD compares: Middle Eastern, 0.051%; no homozygotes.

Submissions (4):

Labcorp Genetics (formerly Invitae), Labcorp
Classification: Uncertain significance. Last evaluated: 2024-05-29. Review status: criteria provided, single submitter. Criteria: Invitae Variant Classification Sherloc (09022015). Collection method: clinical testing. Allele origin: germline.
Comment: This sequence change replaces alanine, which is neutral and non-polar, with threonine, which is neutral and polar, at codon 1762 of the CCDC88C protein (p.Ala1762Thr). This variant is present in population databases (rs201104260, gnomAD 0.02%). This variant has not been reported in the literature in individuals affected with CCDC88C-related conditions. ClinVar contains an entry for this variant (Variation ID: 807162). Algorithms developed to predict the effect of missense changes on protein structure and function output the following: SIFT: "Not Available"; PolyPhen-2: "Benign"; Align-GVGD: "Not Available". The threonine amino acid residue is found in multiple mammalian species, which suggests that this missense change does not adversely affect protein function. In summary, the available evidence is currently insufficient to determine the role of this variant in disease. Therefore, it has been classified as a Variant of Uncertain Significance.

Blueprint Genetics
Classification: Uncertain significance. Last evaluated: 2023-02-13. Review status: criteria provided, single submitter. Criteria: ACMG Guidelines, 2015. Collection method: clinical testing. Allele origin: germline.

Ambry Genetics
Classification: Uncertain significance for Inborn genetic diseases. Last evaluated: 2021-09-27. Review status: criteria provided, single submitter. Criteria: Ambry Variant Classification Scheme 2023. Collection method: clinical testing. Allele origin: germline.

CeGaT Center for Human Genetics Tuebingen
Classification: Uncertain significance. Last evaluated: 2019-04-01. Review status: criteria provided, single submitter. Criteria: CeGaT Center For Human Genetics Tuebingen Variant Classification Criteria Version 2. Collection method: clinical testing. Allele origin: germline. Affected: yes. Observed: 1 variant allele.

NM_001080414.4(CCDC88C):c.5284G>A (p.Ala1762Thr)

Gene: CCDC88C (coiled-coil and HOOK domain protein 88C; minus strand). Cytogenetic location: 14q32.11.
Variant type: single nucleotide variant.
Coding change: c.5284G>A on transcript NM_001080414.4 (MANE Select); coding-DNA position 5284, G replaced by A.
Protein change: p.Ala1762Thr; replaces alanine 1762 with threonine.
Molecular consequence: missense variant.
Genome position (GRCh38, 1-based): chr14:91,273,428, C>T on the plus strand (G>A on the coding strand, the complement: CCDC88C is on the minus strand). VCF-style: chr14-91273428-C-T. GRCh37 (hg19) VCF-style: chr14-91739772-C-T.
Other names: c.5284G>A (NM_001080414.3); short protein forms A1762T.
Identifiers: ClinVar variation 807162 (VCV000807162.47), dbSNP rs201104260, ClinGen allele CA7308684.